The following is an entry in ClinVar:

ClinVar aggregate classification (germline): Uncertain significance. Review status: criteria provided, multiple submitters, no conflicts (2 of 4 stars). 2 submissions from 2 submitters: Uncertain significance (2). Last evaluated 2025-03-04.

Submissions (2):

Center for Genomic Medicine, Rigshospitalet, Copenhagen University Hospital
Classification: Uncertain significance. Last evaluated: 2025-03-04. Review status: criteria provided, single submitter. Criteria: ACMG Guidelines, 2015. Collection method: clinical testing. Allele origin: germline.

Labcorp Genetics (formerly Invitae), Labcorp
Classification: Uncertain significance. Last evaluated: 2022-04-13. Review status: criteria provided, single submitter. Criteria: Invitae Variant Classification Sherloc (09022015). Collection method: clinical testing. Allele origin: germline.
Comment: In summary, the available evidence is currently insufficient to determine the role of this variant in disease. Therefore, it has been classified as a Variant of Uncertain Significance. Algorithms developed to predict the effect of missense changes on protein structure and function output the following: SIFT: "Tolerated"; PolyPhen-2: "Benign"; Align-GVGD: "Class C0". The arginine amino acid residue is found in multiple mammalian species, which suggests that this missense change does not adversely affect protein function. This variant has not been reported in the literature in individuals affected with POLE-related conditions. This variant is not present in population databases (gnomAD no frequency). This sequence change replaces lysine, which is basic and polar, with arginine, which is basic and polar, at codon 738 of the POLE protein (p.Lys738Arg).

NM_006231.4(POLE):c.2213A>G (p.Lys738Arg)

Gene: POLE (DNA polymerase epsilon, catalytic subunit; minus strand). Cytogenetic location: 12q24.33.
Variant type: single nucleotide variant.
Coding change: c.2213A>G on transcript NM_006231.4 (MANE Select); coding-DNA position 2213, A replaced by G.
Protein change: p.Lys738Arg; replaces lysine 738 with arginine.
Molecular consequence: missense variant.
Genome position (GRCh38, 1-based): chr12:132,667,609, T>C on the plus strand (A>G on the coding strand, the complement: POLE is on the minus strand). VCF-style: chr12-132667609-T-C. GRCh37 (hg19) VCF-style: chr12-133244195-T-C.
Other names: short protein forms K738R.
Identifiers: ClinVar variation 1697408 (VCV001697408.12), dbSNP rs2135970699, ClinGen allele CA387352289.